The following is an entry in ClinVar:

ClinVar aggregate classification (germline): Uncertain significance. Review status: criteria provided, multiple submitters, no conflicts (2 of 4 stars). 2 submissions from 2 submitters: Uncertain significance (2). Last evaluated 2025-04-10.

Conditions:
Myoclonic dystonia 26. Identifiers: MedGen C4225341, MONDO:0014620, OMIM 616398.
Inborn genetic diseases. Identifiers: MedGen C0950123, MeSH D030342.

Allele frequency attached by ClinVar (database versions not stated): ExAC 0.00001; gnomAD 0.00001.
gnomAD v4.1: 9 of 1,601,382 alleles (0.00056%); highest among the groups gnomAD compares: Middle Eastern, 0.016%; no homozygotes.

Submissions (2):

Ambry Genetics
Classification: Uncertain significance for Inborn genetic diseases. Last evaluated: 2025-04-10. Review status: criteria provided, single submitter. Criteria: Ambry Variant Classification Scheme 2023. Collection method: clinical testing. Allele origin: germline.

Labcorp Genetics (formerly Invitae), Labcorp
Classification: Uncertain significance for Myoclonic dystonia 26. Last evaluated: 2022-04-10. Review status: criteria provided, single submitter. Criteria: Invitae Variant Classification Sherloc (09022015). Collection method: clinical testing. Allele origin: germline.
Comment: In summary, the available evidence is currently insufficient to determine the role of this variant in disease. Therefore, it has been classified as a Variant of Uncertain Significance. Algorithms developed to predict the effect of missense changes on protein structure and function output the following: SIFT: "Tolerated"; PolyPhen-2: "Benign"; Align-GVGD: "Class C0". The cysteine amino acid residue is found in multiple mammalian species, which suggests that this missense change does not adversely affect protein function. This variant has not been reported in the literature in individuals affected with KCTD17-related conditions. The frequency data for this variant in the population databases is considered unreliable, as metrics indicate poor data quality at this position in the gnomAD database. This sequence change replaces arginine, which is basic and polar, with cysteine, which is neutral and slightly polar, at codon 271 of the KCTD17 protein (p.Arg271Cys).

NM_001282684.2(KCTD17):c.790C>T (p.Arg264Cys)

Gene: KCTD17 (potassium channel tetramerization domain containing 17; plus strand). Cytogenetic location: 22q12.3.
Variant type: single nucleotide variant.
Coding change: c.790C>T on transcript NM_001282684.2 (MANE Select); coding-DNA position 790, C replaced by T.
Protein change: p.Arg264Cys; replaces arginine 264 with cysteine.
Molecular consequence: missense variant. On other transcripts: synonymous variant (1), intron variant (1).
Genome position (GRCh38, 1-based): chr22:37,061,544, C>T. VCF-style: chr22-37061544-C-T. GRCh37 (hg19) VCF-style: chr22-37457584-C-T.
Other names: c.618C>T, p.Pro206= (NM_001282685.2); c.718C>T, p.Arg240Cys (NM_024681.4); c.613-981C>T (NM_001282686.2); short protein forms R240C, R264C.
Identifiers: ClinVar variation 2060770 (VCV002060770.6), dbSNP rs780553079, ClinGen allele CA10215155.